The following is an entry in ClinVar:

NM_005477.3(HCN4):c.28A>C (p.Lys10Gln)

Gene: HCN4 (hyperpolarization activated cyclic nucleotide gated potassium channel 4; minus strand). Cytogenetic location: 15q24.1.
Variant type: single nucleotide variant.
Coding change: c.28A>C on transcript NM_005477.3 (MANE Select); coding-DNA position 28, A replaced by C.
Protein change: p.Lys10Gln; replaces lysine 10 with glutamine.
Molecular consequence: missense variant.
Genome position (GRCh38, 1-based): chr15:73,368,243, T>G on the plus strand (A>C on the coding strand, the complement: HCN4 is on the minus strand). VCF-style: chr15-73368243-T-G. GRCh37 (hg19) VCF-style: chr15-73660584-T-G.
Other names: short protein forms K10Q.
Identifiers: ClinVar variation 4842473 (VCV004842473.2).

ClinVar aggregate classification (germline): Uncertain significance. Review status: criteria provided, multiple submitters, no conflicts (2 of 4 stars). 2 submissions from 2 submitters: Uncertain significance (2). Last evaluated 2025-12-16.

Conditions:
Cardiovascular phenotype. Identifiers: MedGen CN230736.

Submissions (2):

Ambry Genetics
Classification: Uncertain significance for Cardiovascular phenotype. Last evaluated: 2025-12-16. Review status: criteria provided, single submitter. Criteria: Ambry Variant Classification Scheme 2023. Collection method: clinical testing. Allele origin: germline.
Comment: The p.K10Q variant (also known as c.28A>C), located in coding exon 1 of the HCN4 gene, results from an A to C substitution at nucleotide position 28. The lysine at codon 10 is replaced by glutamine, an amino acid with similar properties. This amino acid position is conserved. In addition, the in silico prediction for this alteration is inconclusive. Based on the available evidence, the clinical significance of this variant remains unclear.

Blueprint Genetics
Classification: Uncertain significance. Last evaluated: 2023-08-23. Review status: criteria provided, single submitter. Criteria: ACMG Guidelines, 2015. Collection method: clinical testing. Allele origin: germline.